The following is an entry in ClinVar:

NM_022455.5(NSD1):c.5293G>T (p.Gly1765Ter)

Gene: NSD1 (nuclear receptor binding SET domain protein 1; plus strand). Cytogenetic location: 5q35.3.
Variant type: single nucleotide variant.
Coding change: c.5293G>T on transcript NM_022455.5 (MANE Select); coding-DNA position 5293, G replaced by T.
Protein change: p.Gly1765Ter; replaces glycine 1765 with a stop codon.
Molecular consequence: nonsense.
Genome position (GRCh38, 1-based): chr5:177,267,708, G>T. VCF-style: chr5-177267708-G-T. GRCh37 (hg19) VCF-style: chr5-176694709-G-T.
Other names: c.4420G>T, p.Gly1474Ter (NM_001365684.2, NM_001409308.1, NM_001409309.1 and 1 more transcripts); c.5293G>T, p.Gly1765Ter (NM_001409301.1, NM_001409302.1, NM_001409303.1); c.4873G>T, p.Gly1625Ter (NM_001409304.1); c.4540G>T, p.Gly1514Ter (NM_001409305.1); c.4531G>T, p.Gly1511Ter (NM_001409306.1, NM_001409307.1); short protein forms G1474*, G1511*, G1514*, G1625*, G1765*.
Identifiers: ClinVar variation 3377747 (VCV003377747.1).

ClinVar aggregate classification (germline): Likely pathogenic (1 of 4 stars; one submission).

Conditions:
Sotos syndrome (SOTOS). Also called: Sotos' syndrome; Distinctive facial appearance, overgrowth in childhood, and learning disabilities or delayed development; CEREBRAL GIGANTISM; CHROMOSOME 5q35 DELETION SYNDROME; SOTOS SYNDROME 1. Identifiers: Orphanet 821, MedGen C0175695, MONDO:0019349, OMIM 117550.

Submission:

Neuberg Centre For Genomic Medicine, NCGM
Classification: Likely pathogenic for Sotos syndrome. Last evaluated: 2023-06-22. Review status: criteria provided, single submitter. Criteria: ACMG Guidelines, 2015. Collection method: clinical testing. Allele origin: germline. Inheritance: Autosomal dominant inheritance. Affected: yes.
Comment: The observed stop gained variant c.5293G>T(p.Gly1765Ter) in NSD1 gene has not been reported previously as a pathogenic variant nor as a benign variant, to our knowledge. The p.Gly1765Ter variant is absent in gnomAD Exomes. Computational evidence (Mutation Taster - Disease causing) predicts damaging effect on protein structure and function for this variant.This variant is predicted to cause loss of normal protein function through protein truncation. Loss of function variants have been previously reported to be disease causing (Waggoner DJ, et al., 2005). For these reasons, this variant has been classified as Likely Pathogenic.